The following is an entry in ClinVar:

ClinVar aggregate classification (germline): Uncertain significance (1 of 4 stars; one submission).

Conditions:
Osteogenesis imperfecta type 8 (OI8). Identifiers: MedGen C1970458, MONDO:0012581, OMIM 610915.

Allele frequency attached by ClinVar (database versions not stated): gnomAD 0.00002; TOPMed 0.00002.

Submission:

Labcorp Genetics (formerly Invitae), Labcorp
Classification: Uncertain significance for Osteogenesis imperfecta type 8. Last evaluated: 2023-07-17. Review status: criteria provided, single submitter. Criteria: Invitae Variant Classification Sherloc (09022015). Collection method: clinical testing. Allele origin: germline.
Comment: This variant has not been reported in the literature in individuals affected with P3H1-related conditions. In summary, the available evidence is currently insufficient to determine the role of this variant in disease. Therefore, it has been classified as a Variant of Uncertain Significance. An algorithm developed to predict the effect of missense changes on protein structure and function (PolyPhen-2) suggests that this variant is likely to be tolerated. ClinVar contains an entry for this variant (Variation ID: 1505096). This variant is not present in population databases (gnomAD no frequency). This sequence change replaces proline, which is neutral and non-polar, with serine, which is neutral and polar, at codon 710 of the P3H1 protein (p.Pro710Ser).

NM_022356.4(P3H1):c.2128C>T (p.Pro710Ser)

Gene: P3H1 (prolyl 3-hydroxylase 1; minus strand). Cytogenetic location: 1p34.2.
Variant type: single nucleotide variant.
Coding change: c.2128C>T on transcript NM_022356.4 (MANE Select); coding-DNA position 2128, C replaced by T.
Protein change: p.Pro710Ser; replaces proline 710 with serine.
Molecular consequence: missense variant. On other transcripts: 3 prime UTR variant (2).
Genome position (GRCh38, 1-based): chr1:42,746,780, G>A on the plus strand (C>T on the coding strand, the complement: P3H1 is on the minus strand). VCF-style: chr1-42746780-G-A. GRCh37 (hg19) VCF-style: chr1-43212451-G-A.
Other names: c.*53C>T (NM_001146289.2); c.*132C>T (NM_001243246.2); short protein forms P710S.
Identifiers: ClinVar variation 1505096 (VCV001505096.8), dbSNP rs1486613257, ClinGen allele CA339950657.
Genomic context (GRCh38, chr1:42,746,780, plus strand): 5'-ATTCACTGCCTGAGAGAGACTCTTGTGCAGGTTCGGGGGGGCCCTGCTGGGCATCCAGGG[G>A]CTGCTCCTGGGAGAGGTCCATCTCTTCTGGGCTGAAGAGCATCTTCACCAGGTCATCTGC-3'
Protein context (NP_071751.3, residues 700-720): PEEMDLSQEQ[Pro710Ser]LDAQQGPPEP